The following is an entry in ClinVar:

NM_001999.4(FBN2):c.3451A>G (p.Met1151Val)

Gene: FBN2 (fibrillin 2; minus strand). Cytogenetic location: 5q23.3.
Variant type: single nucleotide variant.
Coding change: c.3451A>G on transcript NM_001999.4 (MANE Select); coding-DNA position 3451, A replaced by G.
Protein change: p.Met1151Val; replaces methionine 1151 with valine.
Molecular consequence: missense variant.
Genome position (GRCh38, 1-based): chr5:128,338,954, T>C on the plus strand (A>G on the coding strand, the complement: FBN2 is on the minus strand). VCF-style: chr5-128338954-T-C. GRCh37 (hg19) VCF-style: chr5-127674646-T-C.
Other names: short protein forms M1151V.
Identifiers: ClinVar variation 578506 (VCV000578506.10), dbSNP rs1042256829, ClinGen allele CA127015486.

ClinVar aggregate classification (germline): Uncertain significance (1 of 4 stars; one submission).

Conditions:
Congenital contractural arachnodactyly (CCA). Also called: BEALS SYNDROME; Beals-Hecht syndrome; Arthrogryposis, distal, type 9. Identifiers: Orphanet 115, MedGen C0220668, MONDO:0007363, OMIM 121050.

Allele frequency attached by ClinVar (database versions not stated): gnomAD exomes below 0.00001; TOPMed below 0.00001.

Submission:

Labcorp Genetics (formerly Invitae), Labcorp
Classification: Uncertain significance for Congenital contractural arachnodactyly. Last evaluated: 2024-09-24. Review status: criteria provided, single submitter. Criteria: Invitae Variant Classification Sherloc (09022015). Collection method: clinical testing. Allele origin: germline.
Comment: This sequence change replaces methionine, which is neutral and non-polar, with valine, which is neutral and non-polar, at codon 1151 of the FBN2 protein (p.Met1151Val). This variant is not present in population databases (gnomAD no frequency). This variant has not been reported in the literature in individuals affected with FBN2-related conditions. ClinVar contains an entry for this variant (Variation ID: 578506). Invitae Evidence Modeling of protein sequence and biophysical properties (such as structural, functional, and spatial information, amino acid conservation, physicochemical variation, residue mobility, and thermodynamic stability) indicates that this missense variant is not expected to disrupt FBN2 protein function with a negative predictive value of 80%. In summary, the available evidence is currently insufficient to determine the role of this variant in disease. Therefore, it has been classified as a Variant of Uncertain Significance.